The following is an entry in ClinVar:

NM_003906.5(MCM3AP):c.5879C>G (p.Ser1960Ter)

Genes: MCM3AP (minichromosome maintenance complex component 3 associated protein; minus strand), MCM3AP-AS1 (MCM3AP antisense RNA 1; plus strand). Cytogenetic location: 21q22.3.
Variant type: single nucleotide variant.
Coding change: c.5879C>G on transcript NM_003906.5 (MANE Select); coding-DNA position 5879, C replaced by G.
Protein change: p.Ser1960Ter; replaces serine 1960 with a stop codon.
Molecular consequence: nonsense.
Genome position (GRCh38, 1-based): chr21:46,235,332, G>C on the plus strand (C>G on the coding strand, the complement: MCM3AP is on the minus strand). VCF-style: chr21-46235332-G-C. GRCh37 (hg19) VCF-style: chr21-47655246-G-C.
Other names: short protein forms S1960*.
Identifiers: ClinVar variation 1997301 (VCV001997301.4), dbSNP rs2123788726, ClinGen allele CA410532715.
Genomic context (GRCh38, chr21:46,235,332, plus strand): 5'-ATGTCCACCATGTCTAGCAGCGCAGAGAGATGGAGCTCAGAGGCAACTTCCTCTTCCCTT[G>C]AACTCCGGATCAGCCTTTCCAGGTGCTTTAGTCGTTCGCCTAGACACGTTCCTGTCGCCT-3'

ClinVar aggregate classification (germline): Uncertain significance (1 of 4 stars; one submission).

Submission:

Labcorp Genetics (formerly Invitae), Labcorp
Classification: Uncertain significance. Last evaluated: 2022-05-21. Review status: criteria provided, single submitter. Criteria: Invitae Variant Classification Sherloc (09022015). Collection method: clinical testing. Allele origin: germline.
Comment: In summary, the available evidence is currently insufficient to determine the role of this variant in disease. Therefore, it has been classified as a Variant of Uncertain Significance. Experimental studies and prediction algorithms are not available or were not evaluated, and the functional significance of this variant is currently unknown. This variant has not been reported in the literature in individuals affected with MCM3AP-related conditions. This variant is not present in population databases (gnomAD no frequency). This sequence change creates a premature translational stop signal (p.Ser1960*) in the MCM3AP gene. While this is not anticipated to result in nonsense mediated decay, it is expected to disrupt the last 21 amino acid(s) of the MCM3AP protein.